The following is an entry in ClinVar:

ClinVar aggregate classification (germline): Pathogenic (1 of 4 stars; one submission).

Submission:

Labcorp Genetics (formerly Invitae), Labcorp
Classification: Pathogenic. Last evaluated: 2020-04-24. Review status: criteria provided, single submitter. Criteria: Invitae Variant Classification Sherloc (09022015). Collection method: clinical testing. Allele origin: germline.
Comment: This sequence change creates a premature translational stop signal (p.Gly268Glufs*68) in the USH2A gene. It is expected to result in an absent or disrupted protein product. This variant is not present in population databases (ExAC no frequency). This variant has not been reported in the literature in individuals with USH2A-related conditions. Loss-of-function variants in USH2A are known to be pathogenic (PMID: 10729113, 10909849, 20507924, 25649381). For these reasons, this variant has been classified as Pathogenic.

Literature cited by the submitters: PubMed 10729113; PubMed 10909849; PubMed 20507924; PubMed 25649381.

NM_206933.4(USH2A):c.803del (p.Gly268fs)

Gene: USH2A (usherin; minus strand). Cytogenetic location: 1q41.
Variant type: Deletion.
Coding change: c.803del on transcript NM_206933.4 (MANE Select); coding-DNA position 803, one base deleted (G; older notation c.803delG).
Protein change: p.Gly268fs; shifts the reading frame from glycine 268.
Molecular consequence: frameshift variant.
Genome position (GRCh38, 1-based): chr1:216,327,636, C deleted on the plus strand (G on the coding strand, the reverse complement: USH2A is on the minus strand); the first of 2 consecutive C bases (chr1:216,327,636-216,327,637); deleting either gives the same sequence. VCF-style (leftmost placement, unchanged base first): chr1-216327635-TC-T. GRCh37 (hg19) VCF-style: chr1-216500977-TC-T.
Other names: c.803del, p.Gly268fs (NM_007123.6); short protein forms G268fs.
Identifiers: ClinVar variation 856681 (VCV000856681.7), dbSNP rs2037761776, ClinGen allele CA916082152.